The following is an entry in ClinVar:

NM_017934.7(PHIP):c.5236A>T (p.Ile1746Leu)

Genes: IRAK1BP1 (interleukin 1 receptor associated kinase 1 binding protein 1; plus strand), PHIP (pleckstrin homology domain interacting protein; minus strand). Cytogenetic location: 6q14.1.
Variant type: single nucleotide variant.
Coding change: c.5236A>T on transcript NM_017934.7 (MANE Select); coding-DNA position 5236, A replaced by T.
Protein change: p.Ile1746Leu; replaces isoleucine 1746 with leucine.
Molecular consequence: missense variant.
Genome position (GRCh38, 1-based): chr6:78,940,923, T>A on the plus strand (A>T on the coding strand, the complement: PHIP is on the minus strand). VCF-style: chr6-78940923-T-A. GRCh37 (hg19) VCF-style: chr6-79650640-T-A.
Other names: short protein forms I1746L.
Identifiers: ClinVar variation 3371901 (VCV003371901.1).

ClinVar aggregate classification (germline): Uncertain significance (1 of 4 stars; one submission).

Submission:

GeneDx
Classification: Uncertain significance. Last evaluated: 2024-03-31. Review status: criteria provided, single submitter. Criteria: GeneDx Variant Classification Process June 2021. Collection method: clinical testing. Allele origin: germline. Affected: yes.
Comment: Not observed at significant frequency in large population cohorts (gnomAD); In silico analysis supports that this missense variant does not alter protein structure/function; Has not been previously published as pathogenic or benign to our knowledge